The following is an entry in ClinVar:

ClinVar aggregate classification (germline): Uncertain significance. Review status: criteria provided, multiple submitters, no conflicts (2 of 4 stars). 2 submissions from 2 submitters: Uncertain significance (2). Last evaluated 2025-08-09.

Conditions:
Hereditary cancer-predisposing syndrome. Also called: Neoplastic Syndromes, Hereditary; Tumor predisposition; Hereditary Cancer Syndrome; Hereditary neoplastic syndrome. Identifiers: Orphanet 140162, MedGen C0027672, MeSH D009386, MONDO:0015356.
Familial cancer of breast. Also called: BREAST CANCER, FAMILIAL; Hereditary breast cancer; hereditary breast carcinoma. Identifiers: Orphanet 227535, MedGen C0346153, MONDO:0016419, OMIM 114480. Disease mechanism: loss of function.

Submissions (2):

Labcorp Genetics (formerly Invitae), Labcorp
Classification: Uncertain significance for Familial cancer of breast. Last evaluated: 2025-08-09. Review status: criteria provided, single submitter. Criteria: Invitae Variant Classification Sherloc (09022015). Collection method: clinical testing. Allele origin: germline.
Comment: This sequence change replaces leucine, which is neutral and non-polar, with phenylalanine, which is neutral and non-polar, at codon 498 of the CHEK2 protein (p.Leu498Phe). This variant is not present in population databases (gnomAD no frequency). This variant has not been reported in the literature in individuals affected with CHEK2-related conditions. ClinVar contains an entry for this variant (Variation ID: 920262). An algorithm developed to predict the effect of missense changes on protein structure and function (PolyPhen-2) suggests that this variant is likely to be disruptive. In summary, the available evidence is currently insufficient to determine the role of this variant in disease. Therefore, it has been classified as a Variant of Uncertain Significance.

Color Diagnostics, LLC DBA Color Health
Classification: Uncertain significance for Hereditary cancer-predisposing syndrome. Last evaluated: 2023-12-04. Review status: criteria provided, single submitter. Criteria: ACMG Guidelines, 2015. Collection method: clinical testing. Allele origin: germline.
Comment: This missense variant replaces leucine with phenylalanine at codon 498 of the CHEK2 protein. Computational prediction suggests that this variant may not impact protein structure and function (internally defined REVEL score threshold <= 0.5, PMID: 27666373). To our knowledge, functional studies have not been reported for this variant. This variant has not been reported in individuals affected with CHEK2-related disorders in the literature. This variant has not been identified in the general population by the Genome Aggregation Database (gnomAD). The available evidence is insufficient to determine the role of this variant in disease conclusively. Therefore, this variant is classified as a Variant of Uncertain Significance.

NM_007194.4(CHEK2):c.1492C>T (p.Leu498Phe)

Gene: CHEK2 (checkpoint kinase 2; minus strand). Cytogenetic location: 22q12.1.
Variant type: single nucleotide variant.
Coding change: c.1492C>T on transcript NM_007194.4 (MANE Select); coding-DNA position 1492, C replaced by T.
Protein change: p.Leu498Phe; replaces leucine 498 with phenylalanine.
Molecular consequence: missense variant.
Genome position (GRCh38, 1-based): chr22:28,689,185, G>A on the plus strand (C>T on the coding strand, the complement: CHEK2 is on the minus strand). VCF-style: chr22-28689185-G-A. GRCh37 (hg19) VCF-style: chr22-29085173-G-A.
Other names: c.1621C>T, p.Leu541Phe (NM_001005735.3); c.829C>T, p.Leu277Phe (NM_001257387.3); c.1291C>T, p.Leu431Phe (NM_001349956.3); c.1405C>T, p.Leu469Phe (NM_145862.3); short protein forms L431F, L498F, L277F, L469F, L541F.
Identifiers: ClinVar variation 920262 (VCV000920262.13), dbSNP rs2052245756, ClinGen allele CA411092483.
Genomic context (GRCh38, chr22:28,689,185, plus strand): 5'-ATACGAATACCTGGGCTAGAACCTGGGGTAGAGCTGTGGATTCATTTTCCTCAGACAGAA[G>A]ATCTTGAAACTTTCTCTTCATGTCTTCATCCTGTGAGGGAATTAAAAACATAAGTAGCTG-3'
Protein context (NP_009125.1, residues 488-508): DEDMKRKFQD[Leu498Phe]LSEENESTAL